The following is an entry in ClinVar:

NM_000093.5(COL5A1):c.2159del (p.Pro720fs)

Gene: COL5A1 (collagen type V alpha 1 chain; plus strand). Cytogenetic location: 9q34.3.
Variant type: Deletion.
Coding change: c.2159del on transcript NM_000093.5 (MANE Select); coding-DNA position 2159, one base deleted (C; older notation c.2159delC).
Protein change: p.Pro720fs; shifts the reading frame from proline 720.
Molecular consequence: frameshift variant.
Genome position (GRCh38, 1-based): chr9:134,767,025, C deleted; the last of 6 consecutive C bases (chr9:134,767,020-134,767,025); deleting any one gives the same sequence. VCF-style (leftmost placement, unchanged base first): chr9-134767019-GC-G. GRCh37 (hg19) VCF-style: chr9-137658865-GC-G.
Other names: c.2159del, p.Pro720fs (NM_001278074.1); short protein forms P720fs.
Identifiers: ClinVar variation 856462 (VCV000856462.9), dbSNP rs863223469, ClinGen allele CA916083083.

ClinVar aggregate classification (germline): Pathogenic (1 of 4 stars; one submission).

Conditions:
Ehlers-Danlos syndrome, classic type, 1 (EDSCL1). Also called: Ehlers-Danlos syndrome, type 1; Ehlers-Danlos Syndrome, Classic Type, COL5A1-Related; EDS I; EHLERS-DANLOS SYNDROME, GRAVIS TYPE; EHLERS-DANLOS SYNDROME, SEVERE CLASSIC TYPE. Identifiers: MedGen C0268335, MONDO:0019567, OMIM 130000.

Submission:

Labcorp Genetics (formerly Invitae), Labcorp
Classification: Pathogenic for Ehlers-Danlos syndrome, classic type, 1. Last evaluated: 2019-03-14. Review status: criteria provided, single submitter. Criteria: Invitae Variant Classification Sherloc (09022015). Collection method: clinical testing. Allele origin: germline.
Comment: For these reasons, this variant has been classified as Pathogenic. Loss-of-function variants in COL5A1 are known to be pathogenic (PMID: 23587214). This variant has not been reported in the literature in individuals with COL5A1-related conditions. This variant is not present in population databases (ExAC no frequency). This sequence change creates a premature translational stop signal (p.Pro720Glnfs*84) in the COL5A1 gene. It is expected to result in an absent or disrupted protein product.

Literature cited by the submitters: PubMed 23587214.